The following is an entry in ClinVar:

NM_006887.5(ZFP36L2):c.1170C>T (p.Ala390=)

Genes: ZFP36L2 (ZFP36 ring finger protein like 2; minus strand), LOC129933607 (ATAC-STARR-seq lymphoblastoid silent region 11421; plus strand). Cytogenetic location: 2p21.
Variant type: single nucleotide variant.
Coding change: c.1170C>T on transcript NM_006887.5 (MANE Select); coding-DNA position 1170, C replaced by T.
Protein change: p.Ala390=; no amino-acid change (alanine 390 retained).
Molecular consequence: synonymous variant.
Genome position (GRCh38, 1-based): chr2:43,224,634, G>A on the plus strand (C>T on the coding strand, the complement: ZFP36L2 is on the minus strand). VCF-style: chr2-43224634-G-A. GRCh37 (hg19) VCF-style: chr2-43451773-G-A.
Identifiers: ClinVar variation 3350739 (VCV003350739.1).

ClinVar aggregate classification (germline): Likely benign (0 of 4 stars; one submission).

Conditions:
ZFP36L2-related disorder. Also called: ZFP36L2-related condition.

gnomAD v4.1: 4 of 1,486,004 alleles (0.00027%); highest among the groups gnomAD compares: South Asian, 0.0013%; no homozygotes.

Submission:

PreventionGenetics, part of Exact Sciences
Classification: Likely benign for ZFP36L2-related condition. Last evaluated: 2019-07-12. Review status: no assertion criteria provided. Collection method: clinical testing. Allele origin: germline.
Comment: This variant is classified as likely benign based on ACMG/AMP sequence variant interpretation guidelines (Richards et al. 2015 PMID: 25741868, with internal and published modifications).